The following is an entry in ClinVar:

NM_002485.5(NBN):c.552_556del (p.Glu185fs)

Gene: NBN (nibrin; minus strand). Cytogenetic location: 8q21.3.
Variant type: Deletion.
Coding change: c.552_556del on transcript NM_002485.5 (MANE Select); coding-DNA positions 552 to 556, 5 bases deleted (TGAGT; older notation c.552_556delTGAGT).
Protein change: p.Glu185fs; shifts the reading frame from glutamic acid 185.
Molecular consequence: frameshift variant.
Genome position (GRCh38, 1-based): chr8:89,978,248-89,978,252, ACTCA deleted on the plus strand (TGAGT on the coding strand, the reverse complement: NBN is on the minus strand); deleting any 5 consecutive bases within chr8:89,978,248-89,978,255 gives the same sequence; the c. name uses the placement nearest the transcript's 3' end. VCF-style (leftmost placement, unchanged base first): chr8-89978247-GACTCA-G. GRCh37 (hg19) VCF-style: chr8-90990475-GACTCA-G.
Other names: c.306_310del, p.Glu103fs (NM_001024688.3); short protein forms E185fs, E103fs.
Identifiers: ClinVar variation 1456650 (VCV001456650.3), dbSNP rs2129888420, ClinGen allele CA2573143447.
Genomic context (GRCh38, chr8:89,978,247, plus strand): 5'-GACATCTTGTTATATTTAAAATACATAATATACCTTTCAATTTGTGGAGGCTGCTTCTTG[GACTCA>G]ACTGCTTTCAGGAATTCAGTAAAATATTCTGGCTTTACAATTGGACGTCCACAAATGAGT-3'

ClinVar aggregate classification (germline): Pathogenic (1 of 4 stars; one submission).

Conditions:
Microcephaly, normal intelligence and immunodeficiency (NBS). Also called: BERLIN BREAKAGE SYNDROME; Immunodeficiency, microcephaly with normal intelligence; IMMUNODEFICIENCY, MICROCEPHALY, AND CHROMOSOMAL INSTABILITY; SEEMANOVA SYNDROME II; Ataxia telangiectasia variant V1; Nijmegen breakage syndrome. Identifiers: Orphanet 647, MedGen C0398791, MONDO:0009623, OMIM 251260.

Submission:

Labcorp Genetics (formerly Invitae), Labcorp
Classification: Pathogenic for Microcephaly, normal intelligence and immunodeficiency. Last evaluated: 2022-03-14. Review status: criteria provided, single submitter. Criteria: Invitae Variant Classification Sherloc (09022015). Collection method: clinical testing. Allele origin: germline.
Comment: This sequence change creates a premature translational stop signal (p.Glu185Glnfs*8) in the NBN gene. It is expected to result in an absent or disrupted protein product. Loss-of-function variants in NBN are known to be pathogenic (PMID: 9590180, 16415040). This variant is not present in population databases (gnomAD no frequency). This variant has not been reported in the literature in individuals affected with NBN-related conditions. For these reasons, this variant has been classified as Pathogenic.

Literature cited by the submitters: PubMed 9590180; PubMed 16415040.